The following is an entry in ClinVar:

ClinVar aggregate classification (germline): Likely benign (1 of 4 stars; one submission).

gnomAD v4.1: 41 of 1,613,524 alleles (0.0025%); highest among the groups gnomAD compares: African/African-American, 0.021%; no homozygotes.

Submission:

CeGaT Center for Human Genetics Tuebingen
Classification: Likely benign. Last evaluated: 2026-09-01. Review status: criteria provided, single submitter. Criteria: CeGaT Center For Human Genetics Tuebingen Variant Classification Criteria Version 2. Collection method: clinical testing. Allele origin: germline. Affected: yes. Observed: 2 variant alleles.
Comment: CIC: BS2

NM_001386298.1(CIC):c.3052G>A (p.Gly1018Arg)

Gene: CIC (capicua transcriptional repressor; plus strand). Cytogenetic location: 19q13.2.
Variant type: single nucleotide variant.
Coding change: c.3052G>A on transcript NM_001386298.1 (MANE Select); coding-DNA position 3052, G replaced by A.
Protein change: p.Gly1018Arg; replaces glycine 1018 with arginine.
Molecular consequence: missense variant.
Genome position (GRCh38, 1-based): chr19:42,287,113, G>A. VCF-style: chr19-42287113-G-A. GRCh37 (hg19) VCF-style: chr19-42791265-G-A.
Other names: c.3052G>A, p.Gly1018Arg (NM_001379482.1, NM_001304815.2, NM_001379480.1); c.325G>A, p.Gly109Arg (NM_001379484.1, NM_001379485.1, NM_015125.5); short protein forms G1018R, G109R.
Identifiers: ClinVar variation 3770864 (VCV003770864.13).